The following is an entry in ClinVar:

NM_002662.5(PLD1):c.1708C>T (p.His570Tyr)

Gene: PLD1 (phospholipase D1; minus strand). Cytogenetic location: 3q26.31.
Variant type: single nucleotide variant.
Coding change: c.1708C>T on transcript NM_002662.5 (MANE Select); coding-DNA position 1708, C replaced by T.
Protein change: p.His570Tyr; replaces histidine 570 with tyrosine.
Molecular consequence: missense variant.
Genome position (GRCh38, 1-based): chr3:171,687,416, G>A on the plus strand (C>T on the coding strand, the complement: PLD1 is on the minus strand). VCF-style: chr3-171687416-G-A. GRCh37 (hg19) VCF-style: chr3-171405206-G-A.
Other names: c.1708C>T, p.His570Tyr (NM_001130081.3); short protein forms H570Y.
Identifiers: ClinVar variation 1947064 (VCV001947064.5), dbSNP rs757426953, ClinGen allele CA2704534.
Genomic context (GRCh38, chr3:171,687,416, plus strand): 5'-AAGGCCATGACTTACTGGAGGTGCTGTCAATGCTGCTGATGCTATCTGCGTCGTGCAGGT[G>A]GTGCCTGTGGAGCTGCTTGTAGAGACTAAATTTGGAGAACTTTCTTGGCTTTCCTATTCC-3'
Protein context (NP_002653.1, residues 560-580): FSLYKQLHRH[His570Tyr]LHDADSISSI

ClinVar aggregate classification (germline): Uncertain significance (1 of 4 stars; one submission).

Allele frequency attached by ClinVar (database versions not stated): ExAC 0.00002; gnomAD exomes 0.00002.
gnomAD v4.1: 11 of 1,614,116 alleles (0.00068%); highest among the groups gnomAD compares: East Asian, 0.025%; no homozygotes.

Submission:

Labcorp Genetics (formerly Invitae), Labcorp
Classification: Uncertain significance. Last evaluated: 2022-05-27. Review status: criteria provided, single submitter. Criteria: Invitae Variant Classification Sherloc (09022015). Collection method: clinical testing. Allele origin: germline.
Comment: In summary, the available evidence is currently insufficient to determine the role of this variant in disease. Therefore, it has been classified as a Variant of Uncertain Significance. Algorithms developed to predict the effect of missense changes on protein structure and function (SIFT, PolyPhen-2, Align-GVGD) all suggest that this variant is likely to be tolerated. This variant has not been reported in the literature in individuals affected with PLD1-related conditions. This variant is present in population databases (rs757426953, gnomAD 0.02%). This sequence change replaces histidine, which is basic and polar, with tyrosine, which is neutral and polar, at codon 570 of the PLD1 protein (p.His570Tyr).